The following is an entry in ClinVar:

ClinVar aggregate classification (germline): Uncertain significance (1 of 4 stars; one submission).

Conditions:
Hereditary spastic paraplegia 30. Identifiers: Orphanet 101010, MedGen C5235139, MONDO:0012476.
Neuropathy, hereditary sensory, type 2C. Also called: KIF1A-Related HSAN2 (HSAN2C); Hereditary sensory and autonomic neuropathy type IIC. Identifiers: Orphanet 970, MedGen C3280168, MONDO:0013634, OMIM 614213.
Intellectual disability, autosomal dominant 9 (NESCAVS). Also called: KIF1A-Related Neurodevelopmental Disorder; NESCAV SYNDROME. Identifiers: Orphanet 662367, MedGen C5393830, MONDO:0013656, OMIM 614255.

Submission:

Labcorp Genetics (formerly Invitae), Labcorp
Classification: Uncertain significance for Hereditary spastic paraplegia 30; Neuropathy, hereditary sensory, type 2C; Intellectual disability, autosomal dominant 9. Last evaluated: 2024-12-02. Review status: criteria provided, single submitter. Criteria: Invitae Variant Classification Sherloc (09022015). Collection method: clinical testing. Allele origin: germline.
Comment: This sequence change replaces proline, which is neutral and non-polar, with leucine, which is neutral and non-polar, at codon 1230 of the KIF1A protein (p.Pro1230Leu). This variant is not present in population databases (gnomAD no frequency). This variant has not been reported in the literature in individuals affected with KIF1A-related conditions. ClinVar contains an entry for this variant (Variation ID: 1472023). Invitae Evidence Modeling of protein sequence and biophysical properties (such as structural, functional, and spatial information, amino acid conservation, physicochemical variation, residue mobility, and thermodynamic stability) indicates that this missense variant is not expected to disrupt KIF1A protein function with a negative predictive value of 95%. In summary, the available evidence is currently insufficient to determine the role of this variant in disease. Therefore, it has been classified as a Variant of Uncertain Significance.

NM_001244008.2(KIF1A):c.3992C>T (p.Pro1331Leu)

Gene: KIF1A (kinesin family member 1A; minus strand). Cytogenetic location: 2q37.3.
Variant type: single nucleotide variant.
Coding change: c.3992C>T on transcript NM_001244008.2 (MANE Select); coding-DNA position 3992, C replaced by T.
Protein change: p.Pro1331Leu; replaces proline 1331 with leucine.
Molecular consequence: missense variant.
Genome position (GRCh38, 1-based): chr2:240,737,078, G>A on the plus strand (C>T on the coding strand, the complement: KIF1A is on the minus strand). VCF-style: chr2-240737078-G-A. GRCh37 (hg19) VCF-style: chr2-241676495-G-A.
Other names: c.3716C>T, p.Pro1239Leu (NM_001320705.2, NM_001330289.2, NM_001379638.1); c.3791C>T, p.Pro1264Leu (NM_001330290.2, NM_001379634.1, NM_001379635.1 and 1 more transcripts); c.4067C>T, p.Pro1356Leu (NM_001379631.1); c.3941C>T, p.Pro1314Leu (NM_001379632.1); c.3965C>T, p.Pro1322Leu (NM_001379633.1, NM_001379642.1, NM_001379645.1); c.3803C>T, p.Pro1268Leu (NM_001379636.1); c.3764C>T, p.Pro1255Leu (NM_001379637.1, NM_001379648.1); c.3689C>T, p.Pro1230Leu (NM_001379639.1, NM_001379641.1, NM_001379649.1 and 4 more transcripts); and 1 more; short protein forms P1239L, P1230L, P1356L, P1229L, P1314L, P1322L, P1331L, P1255L.
Identifiers: ClinVar variation 1472023 (VCV001472023.6), dbSNP rs759671623, ClinGen allele CA351312430.